The following is an entry in ClinVar:

NM_006231.4(POLE):c.4834T>C (p.Cys1612Arg)

Gene: POLE (DNA polymerase epsilon, catalytic subunit; minus strand). Cytogenetic location: 12q24.33.
Variant type: single nucleotide variant.
Coding change: c.4834T>C on transcript NM_006231.4 (MANE Select); coding-DNA position 4834, T replaced by C.
Protein change: p.Cys1612Arg; replaces cysteine 1612 with arginine.
Molecular consequence: missense variant.
Genome position (GRCh38, 1-based): chr12:132,642,624, A>G on the plus strand (T>C on the coding strand, the complement: POLE is on the minus strand). VCF-style: chr12-132642624-A-G. GRCh37 (hg19) VCF-style: chr12-133219210-A-G.
Other names: c.4834T>C (NM_006231.2); short protein forms C1612R.
Identifiers: ClinVar variation 1470766 (VCV001470766.9), dbSNP rs2138535474, ClinGen allele CA387378240.

ClinVar aggregate classification (germline): Conflicting classifications of pathogenicity. Review status: criteria provided, conflicting classifications (1 of 4 stars). 2 submissions from 2 submitters: Uncertain significance (1); Likely benign (1). Last evaluated 2025-01-09.

Conditions:
Hereditary cancer-predisposing syndrome. Also called: Tumor predisposition; Hereditary Cancer Syndrome; Hereditary neoplastic syndrome; Neoplastic Syndromes, Hereditary. Identifiers: Orphanet 140162, MedGen C0027672, MeSH D009386, MONDO:0015356.

Submissions (2):

Ambry Genetics
Classification: Likely benign for Hereditary cancer-predisposing syndrome. Last evaluated: 2025-01-09. Review status: criteria provided, single submitter. Criteria: Ambry Variant Classification Scheme 2023. Collection method: clinical testing. Allele origin: germline.

Labcorp Genetics (formerly Invitae), Labcorp
Classification: Uncertain significance. Last evaluated: 2024-07-23. Review status: criteria provided, single submitter. Criteria: Invitae Variant Classification Sherloc (09022015). Collection method: clinical testing. Allele origin: germline.
Comment: This sequence change replaces cysteine, which is neutral and slightly polar, with arginine, which is basic and polar, at codon 1612 of the POLE protein (p.Cys1612Arg). This variant is not present in population databases (gnomAD no frequency). This variant has not been reported in the literature in individuals affected with POLE-related conditions. ClinVar contains an entry for this variant (Variation ID: 1470766). Advanced modeling of protein sequence and biophysical properties (such as structural, functional, and spatial information, amino acid conservation, physicochemical variation, residue mobility, and thermodynamic stability) performed at Invitae indicates that this missense variant is not expected to disrupt POLE protein function with a negative predictive value of 80%. In summary, the available evidence is currently insufficient to determine the role of this variant in disease. Therefore, it has been classified as a Variant of Uncertain Significance.